The following is an entry in ClinVar:

ClinVar aggregate classification (germline): Conflicting classifications of pathogenicity. Review status: criteria provided, conflicting classifications (1 of 4 stars). 6 submissions from 5 submitters: Uncertain significance (4); Benign (1); Likely benign (1). Last evaluated 2024-12-20.

Conditions:
Autosomal recessive ataxia, Beauce type. Also called: Spinocerebellar ataxia, autosomal recessive 8; ATAXIA, RECESSIVE, OF BEAUCE; SYNE1 Deficiency; SYNE1-Related Autosomal Recessive Cerebellar Ataxia. Identifiers: Orphanet 88644, MedGen C1853116, MONDO:0012549, OMIM 610743.
Emery-Dreifuss muscular dystrophy 4, autosomal dominant (EDMD4). Also called: EMERY-DREIFUSS MUSCULAR DYSTROPHY 4 WITH VARIABLE FEATURES. Identifiers: Orphanet 261, MedGen C2751807, MONDO:0013071, OMIM 612998.

Allele frequency attached by ClinVar (database versions not stated): gnomAD 0.00005 and 0.00006; gnomAD exomes 0.00005 and 0.00011; TOPMed 0.00007; ExAC 0.00013; ESP Exome Variant Server 0.00015.
gnomAD v4.1: 87 of 1,613,054 alleles (0.0054%); highest among the groups gnomAD compares: Non-Finnish European, 0.0012%; 1 homozygote.

Submissions (6):

Athena Diagnostics
Classification: Likely benign. Last evaluated: 2024-12-20. Review status: criteria provided, single submitter. Criteria: Athena Diagnostics Criteria. Collection method: clinical testing. Allele origin: unknown.
Comment: The frequency of this variant in the general population is higher than would generally be expected for pathogenic variants in this gene.

Revvity Omics, Revvity
Classification: Uncertain significance. Last evaluated: 2024-08-23. Review status: criteria provided, single submitter. Criteria: ACMG Guidelines, 2015. Collection method: clinical testing. Allele origin: germline.

Labcorp Genetics (formerly Invitae), Labcorp
Classification: Uncertain significance for Emery-Dreifuss muscular dystrophy 4, autosomal dominant; Autosomal recessive ataxia, Beauce type. Last evaluated: 2023-09-06. Review status: criteria provided, single submitter. Criteria: Invitae Variant Classification Sherloc (09022015). Collection method: clinical testing. Allele origin: germline.
Comment: This sequence change replaces glutamic acid, which is acidic and polar, with lysine, which is basic and polar, at codon 4048 of the SYNE1 protein (p.Glu4048Lys). This variant is present in population databases (rs148935596, gnomAD 0.3%). This missense change has been observed in individual(s) with clinical features of SYNE1-related conditions (PMID: 3169216). ClinVar contains an entry for this variant (Variation ID: 285304). An algorithm developed to predict the effect of missense changes on protein structure and function (PolyPhen-2) suggests that this variant is likely to be disruptive. In summary, the available evidence is currently insufficient to determine the role of this variant in disease. Therefore, it has been classified as a Variant of Uncertain Significance.

Illumina Laboratory Services, Illumina
Classification: Uncertain significance for Autosomal recessive ataxia, Beauce type. Last evaluated: 2018-01-12. Review status: criteria provided, single submitter. Criteria: ICSL Variant Classification Criteria 13 December 2019. Collection method: clinical testing. Allele origin: germline.

Illumina Laboratory Services, Illumina
Classification: Benign for Emery-Dreifuss muscular dystrophy 4, autosomal dominant. Last evaluated: 2018-01-12. Review status: criteria provided, single submitter. Criteria: ICSL Variant Classification Criteria 13 December 2019. Collection method: clinical testing. Allele origin: germline.
Comment: This variant was observed in the ICSL laboratory as part of a predisposition screen in an ostensibly healthy population. It had not been previously curated by ICSL or reported in the Human Gene Mutation Database (HGMD: prior to June 1st, 2018), and was therefore a candidate for classification through an automated scoring system. Utilizing variant allele frequency, disease prevalence and penetrance estimates, and inheritance mode, an automated score was calculated to assess if this variant is too frequent to cause the disease. Based on the score and internal cut-off values, a variant classified as benign is not then subjected to further curation. The score for this variant resulted in a classification of benign for this disease.

Eurofins Ntd Llc (ga)
Classification: Uncertain significance. Last evaluated: 2015-12-16. Review status: criteria provided, single submitter. Criteria: EGL Classification Definitions 2015. Collection method: clinical testing. Allele origin: germline. Observed: 2 variant alleles, 2 heterozygotes.

Literature cited by the submitters: PubMed 31692161 (cited by Athena Diagnostics); PubMed 3169216 (cited by Labcorp Genetics (formerly Invitae), Labcorp).

NM_182961.4(SYNE1):c.12355G>A (p.Glu4119Lys)

Gene: SYNE1 (spectrin repeat containing nuclear envelope protein 1; minus strand). Cytogenetic location: 6q25.2.
Variant type: single nucleotide variant.
Coding change: c.12355G>A on transcript NM_182961.4 (MANE Select); coding-DNA position 12355, G replaced by A.
Protein change: p.Glu4119Lys; replaces glutamic acid 4119 with lysine.
Molecular consequence: missense variant.
Genome position (GRCh38, 1-based): chr6:152,337,014, C>T on the plus strand (G>A on the coding strand, the complement: SYNE1 is on the minus strand). VCF-style: chr6-152337014-C-T. GRCh37 (hg19) VCF-style: chr6-152658149-C-T.
Other names: c.12142G>A, p.Glu4048Lys (NM_033071.5); short protein forms E4048K, E4119K.
Identifiers: ClinVar variation 285304 (VCV000285304.18), dbSNP rs148935596, ClinGen allele CA4056406.